The following is an entry in ClinVar:

NM_004958.4(MTOR):c.1951G>A (p.Val651Met)

Gene: MTOR (mechanistic target of rapamycin kinase; minus strand). Cytogenetic location: 1p36.22.
Variant type: single nucleotide variant.
Coding change: c.1951G>A on transcript NM_004958.4 (MANE Select); coding-DNA position 1951, G replaced by A.
Protein change: p.Val651Met; replaces valine 651 with methionine.
Molecular consequence: missense variant.
Genome position (GRCh38, 1-based): chr1:11,238,453, C>T on the plus strand (G>A on the coding strand, the complement: MTOR is on the minus strand). VCF-style: chr1-11238453-C-T. GRCh37 (hg19) VCF-style: chr1-11298510-C-T.
Other names: c.1951G>A, p.Val651Met (NM_001386500.1); c.703G>A, p.Val235Met (NM_001386501.1); short protein forms V235M, V651M.
Identifiers: ClinVar variation 4887802 (VCV004887802.1).
Genomic context (GRCh38, chr1:11,238,453, plus strand): 5'-AAGCCTTACCAGGATCTGTTATCCCAACTACGAGCAGTTTGCTAAGCACATCTGCCACCA[C>T]TTGCACTGCGGTCTGGCTAACCACATGAGCATGGCCACTGATGAGGTGGATGGAGGGTGT-3'
Protein context (NP_004949.1, residues 641-661): AHVVSQTAVQ[Val651Met]VADVLSKLLV

ClinVar aggregate classification (germline): Uncertain significance (1 of 4 stars; one submission).

gnomAD v4.1: 2 of 1,614,236 alleles (0.00012%); highest among the groups gnomAD compares: Non-Finnish European, 0.000085%; no homozygotes.

Submission:

Women's Health and Genetics/Laboratory Corporation of America, LabCorp
Classification: Uncertain significance. Last evaluated: 2026-06-19. Review status: criteria provided, single submitter. Criteria: LabCorp Variant Classification Summary - May 2015. Collection method: clinical testing. Allele origin: germline.
Comment: Variant summary: MTOR c.1951G>A (p.Val651Met) results in a conservative amino acid change in the encoded protein sequence. Algorithms developed to predict the effect of missense changes on protein structure and function are either unavailable or do not agree on the potential impact of this missense change. The variant was absent in 251484 control chromosomes. The available data on variant occurrences in the general population are insufficient to allow any conclusion about variant significance. To our knowledge, no occurrence of c.1951G>A in individuals affected with MTOR-related conditions and no experimental evidence demonstrating its impact on protein function have been reported. No submitters have cited clinical-significance assessments for this variant to ClinVar. Based on the evidence outlined above, the variant was classified as uncertain significance.